The following is an entry in ClinVar:

NM_000465.4(BARD1):c.990T>A (p.Ser330Arg)

Gene: BARD1 (BRCA1 associated RING domain 1; minus strand). Cytogenetic location: 2q35.
Variant type: single nucleotide variant.
Coding change: c.990T>A on transcript NM_000465.4 (MANE Select); coding-DNA position 990, T replaced by A.
Protein change: p.Ser330Arg; replaces serine 330 with arginine.
Molecular consequence: missense variant. On other transcripts: non-coding transcript variant (2), intron variant (3).
Genome position (GRCh38, 1-based): chr2:214,780,884, A>T on the plus strand (T>A on the coding strand, the complement: BARD1 is on the minus strand). VCF-style: chr2-214780884-A-T. GRCh37 (hg19) VCF-style: chr2-215645608-A-T.
Other names: c.990T>A (NM_000465.2); c.933T>A, p.Ser311Arg (NM_001282543.2); c.159-28329T>A (NM_001282548.2); c.215+16177T>A (NM_001282545.2); c.364+11413T>A (NM_001282549.2); short protein forms S330R, S311R.
Identifiers: ClinVar variation 3696829 (VCV003696829.3).

ClinVar aggregate classification (germline): Conflicting classifications of pathogenicity. Review status: criteria provided, conflicting classifications (1 of 4 stars). 2 submissions from 2 submitters: Uncertain significance (1); Likely benign (1). Last evaluated 2025-07-10.

Conditions:
Hereditary cancer-predisposing syndrome. Also called: Tumor predisposition; Neoplastic Syndromes, Hereditary; Hereditary Cancer Syndrome; Hereditary neoplastic syndrome. Identifiers: Orphanet 140162, MedGen C0027672, MeSH D009386, MONDO:0015356.
Familial cancer of breast. Also called: hereditary breast carcinoma; BREAST CANCER, FAMILIAL; Hereditary breast cancer. Identifiers: Orphanet 227535, MedGen C0346153, MONDO:0016419, OMIM 114480. Disease mechanism: loss of function.

gnomAD v4.1: 2 of 1,614,126 alleles (0.00012%); highest among the groups gnomAD compares: Non-Finnish European, 0.00017%; no homozygotes.

Submissions (2):

Ambry Genetics
Classification: Likely benign for Hereditary cancer-predisposing syndrome. Last evaluated: 2025-07-10. Review status: criteria provided, single submitter. Criteria: Ambry Variant Classification Scheme 2023. Collection method: clinical testing. Allele origin: germline.

Labcorp Genetics (formerly Invitae), Labcorp
Classification: Uncertain significance for Familial cancer of breast. Last evaluated: 2024-05-26. Review status: criteria provided, single submitter. Criteria: Invitae Variant Classification Sherloc (09022015). Collection method: clinical testing. Allele origin: germline.
Comment: This sequence change replaces serine, which is neutral and polar, with arginine, which is basic and polar, at codon 330 of the BARD1 protein (p.Ser330Arg). This variant is not present in population databases (gnomAD no frequency). This variant has not been reported in the literature in individuals affected with BARD1-related conditions. Algorithms developed to predict the effect of missense changes on protein structure and function output the following: SIFT: "Not Available"; PolyPhen-2: "Benign"; Align-GVGD: "Not Available". The arginine amino acid residue is found in multiple mammalian species, which suggests that this missense change does not adversely affect protein function. In summary, the available evidence is currently insufficient to determine the role of this variant in disease. Therefore, it has been classified as a Variant of Uncertain Significance.